The following is an entry in ClinVar:

ClinVar aggregate classification (germline): Pathogenic. Review status: criteria provided, multiple submitters, no conflicts (2 of 4 stars). 4 submissions from 4 submitters: Pathogenic (4). Last evaluated 2023-09-08.

Conditions:
Familial cancer of breast. Also called: hereditary breast carcinoma; BREAST CANCER, FAMILIAL; Hereditary breast cancer. Identifiers: Orphanet 227535, MedGen C0346153, MONDO:0016419, OMIM 114480. Disease mechanism: loss of function.
Hereditary nonpolyposis colon cancer (HNPCC). Also called: Hereditary Nonpolyposis Colorectal Cancer Syndrome; Hereditary nonpolyposis colorectal cancer; Familial nonpolyposis colon cancer. Identifiers: Orphanet 443909, MedGen C1333990, MONDO:0018630. Disease mechanism: loss of function.
Hereditary cancer-predisposing syndrome. Also called: Hereditary neoplastic syndrome; Hereditary Cancer Syndrome; Neoplastic Syndromes, Hereditary; Tumor predisposition. Identifiers: Orphanet 140162, MedGen C0027672, MeSH D009386, MONDO:0015356.

Submissions (4):

Ambry Genetics
Classification: Pathogenic for Hereditary cancer-predisposing syndrome. Last evaluated: 2023-09-08. Review status: criteria provided, single submitter. Criteria: Ambry Variant Classification Scheme 2023. Collection method: clinical testing. Allele origin: germline.
Comment: The p.Y445* pathogenic mutation (also known as c.1335C>A), located in coding exon 11 of the CHEK2 gene, results from a C to A substitution at nucleotide position 1335. This changes the amino acid from a tyrosine to a stop codon within coding exon 11. This variant is considered to be rare based on population cohorts in the Genome Aggregation Database (gnomAD). This alteration is expected to result in loss of function by premature protein truncation or nonsense-mediated mRNA decay. As such, this alteration is interpreted as a disease-causing mutation.

Myriad Genetics, Inc.
Classification: Pathogenic for Familial cancer of breast. Last evaluated: 2023-06-28. Review status: criteria provided, single submitter. Criteria: Myriad Autosomal Dominant, Autosomal Recessive and X-Linked Classification Criteria (2023). Collection method: clinical testing. Allele origin: unknown.
Comment: This variant is considered pathogenic. This variant creates a termination codon and is predicted to result in premature protein truncation.

Labcorp Genetics (formerly Invitae), Labcorp
Classification: Pathogenic for Familial cancer of breast. Last evaluated: 2023-06-16. Review status: criteria provided, single submitter. Criteria: Invitae Variant Classification Sherloc (09022015). Collection method: clinical testing. Allele origin: germline.
Comment: For these reasons, this variant has been classified as Pathogenic. ClinVar contains an entry for this variant (Variation ID: 1405437). This variant has not been reported in the literature in individuals affected with CHEK2-related conditions. This variant is not present in population databases (gnomAD no frequency). This sequence change creates a premature translational stop signal (p.Tyr445*) in the CHEK2 gene. It is expected to result in an absent or disrupted protein product. Loss-of-function variants in CHEK2 are known to be pathogenic (PMID: 21876083, 24713400).

Department of Pathology and Laboratory Medicine, Sinai Health System
Classification: Pathogenic for hereditary nonpolyposis colon cancer. Last evaluated: 2022-10-27. Review status: criteria provided, single submitter. Criteria: ACMG Guidelines, 2015. Collection method: clinical testing. Allele origin: germline. Affected: no.

Literature cited by the submitters: PubMed 21876083 (cited by Labcorp Genetics (formerly Invitae), Labcorp); PubMed 24713400 (cited by Labcorp Genetics (formerly Invitae), Labcorp).

NM_007194.4(CHEK2):c.1335C>A (p.Tyr445Ter)

Gene: CHEK2 (checkpoint kinase 2; minus strand). Cytogenetic location: 22q12.1.
Variant type: single nucleotide variant.
Coding change: c.1335C>A on transcript NM_007194.4 (MANE Select); coding-DNA position 1335, C replaced by A.
Protein change: p.Tyr445Ter; replaces tyrosine 445 with a stop codon.
Molecular consequence: nonsense.
Genome position (GRCh38, 1-based): chr22:28,695,167, G>T on the plus strand (C>A on the coding strand, the complement: CHEK2 is on the minus strand). VCF-style: chr22-28695167-G-T. GRCh37 (hg19) VCF-style: chr22-29091155-G-T.
Other names: c.1464C>A, p.Tyr488Ter (NM_001005735.3); c.672C>A, p.Tyr224Ter (NM_001257387.3); c.1134C>A, p.Tyr378Ter (NM_001349956.3); c.1248C>A, p.Tyr416Ter (NM_145862.3); short protein forms Y224*, Y488*, Y378*, Y445*, Y416*.
Identifiers: ClinVar variation 1405437 (VCV001405437.10), dbSNP rs1601719469, ClinGen allele CA411095773.